The following is an entry in ClinVar:

NM_024649.5(BBS1):c.48-9C>A

Gene: BBS1 (Bardet-Biedl syndrome 1; plus strand). Cytogenetic location: 11q13.2.
Variant type: single nucleotide variant.
Coding change: c.48-9C>A on transcript NM_024649.5 (MANE Select); 9 bases into the intron before coding-DNA position 48, C replaced by A.
Molecular consequence: intron variant.
Genome position (GRCh38, 1-based): chr11:66,511,004, C>A. VCF-style: chr11-66511004-C-A. GRCh37 (hg19) VCF-style: chr11-66278475-C-A.
Other names: c.48-9C>A (NM_024649.4).
Identifiers: ClinVar variation 290984 (VCV000290984.15), dbSNP rs765571574, ClinGen allele CA6123218.
Genomic context (GRCh38, chr11:66,511,004, plus strand): 5'-AGCTTCCTCAAAGTTTTTTTTTCCCCTCCCATGGGACTCACTCCCCAACTGTCTTTCCCC[C>A]ACTTCCAGCAATGAGGCCAATTCGAAGTGGTTGGATGCGCACTACGACCCAATGGCCAAT-3'

ClinVar aggregate classification (germline): Conflicting classifications of pathogenicity. Review status: criteria provided, conflicting classifications (1 of 4 stars). 3 submissions from 3 submitters: Uncertain significance (1); Likely benign (1). 1 of the submissions does not count toward it. Last evaluated 2024-11-04.

Conditions:
BBS1-related disorder. Also called: BBS1-related condition.
Bardet-Biedl syndrome (BBS). Identifiers: Orphanet 110, MedGen C0752166, MONDO:0015229.

Allele frequency attached by ClinVar (database versions not stated): ExAC 0.00001; gnomAD exomes 0.00002; gnomAD 0.00003 and 0.00004; TOPMed 0.00003.

Submissions (3):

Labcorp Genetics (formerly Invitae), Labcorp
Classification: Likely benign for Bardet-Biedl syndrome. Last evaluated: 2024-11-04. Review status: criteria provided, single submitter. Criteria: Invitae Variant Classification Sherloc (09022015). Collection method: clinical testing. Allele origin: germline.

Eurofins Ntd Llc (ga)
Classification: Uncertain significance. Last evaluated: 2016-09-19. Review status: criteria provided, single submitter. Criteria: EGL Classification Definitions 2015. Collection method: clinical testing. Allele origin: germline. Observed: 1 variant allele, 1 heterozygote.

PreventionGenetics, part of Exact Sciences
Classification: Likely benign for BBS1-related condition. Last evaluated: 2020-02-07. Review status: no assertion criteria provided. Collection method: clinical testing. Allele origin: germline. Not counted in ClinVar's aggregate classification.
Comment: This variant is classified as likely benign based on ACMG/AMP sequence variant interpretation guidelines (Richards et al. 2015 PMID: 25741868, with internal and published modifications).